The following is an entry in ClinVar:

ClinVar aggregate classification (germline): Likely pathogenic (1 of 4 stars; one submission).

Conditions:
Kufor-Rakeb syndrome (KRS). Also called: PARKINSON DISEASE 9, AUTOSOMAL RECESSIVE, JUVENILE-ONSET. Identifiers: Orphanet 306674, Orphanet 314632, MedGen C1847640, MONDO:0011706, OMIM 606693.

Submission:

HudsonAlpha Institute for Biotechnology
Classification: Likely pathogenic for Kufor-Rakeb syndrome. Last evaluated: 2022-05-24. Review status: criteria provided, single submitter. Criteria: ACMG Guidelines, 2015. Collection method: research. Allele origin: unknown. Affected: yes. Observed: 1 variant allele. Study: HudsonAlpha-AGHI-WGS.
Comment: ACMG codes:PVS1_VeryStrong, PM2_Moderate

NM_022089.4(ATP13A2):c.1298_1299del (p.Ser433fs)

Gene: ATP13A2 (ATPase cation transporting 13A2; minus strand). Cytogenetic location: 1p36.13.
Variant type: Microsatellite.
Coding change: c.1298_1299del on transcript NM_022089.4 (MANE Select); coding-DNA positions 1298 to 1299, 2 bases deleted (CT; older notation c.1298_1299delCT).
Protein change: p.Ser433fs; shifts the reading frame from serine 433.
Molecular consequence: frameshift variant.
Genome position (GRCh38, 1-based): chr1:16,996,393-16,996,394, AG deleted on the plus strand (CT on the coding strand, the reverse complement: ATP13A2 is on the minus strand); deleting any 2 consecutive bases within chr1:16,996,393-16,996,398 gives the same sequence; the c. name uses the placement nearest the transcript's 3' end. VCF-style (leftmost placement, unchanged base first): chr1-16996392-CAG-C. GRCh37 (hg19) VCF-style: chr1-17322887-CAG-C.
Other names: c.1283_1284del, p.Ser428fs (NM_001141973.3, NM_001141974.3); short protein forms S428fs, S433fs.
Identifiers: ClinVar variation 1803735 (VCV001803735.1), dbSNP rs2523637901, ClinGen allele CA2580611142.